The following is an entry in ClinVar:

NM_014915.3(ANKRD26):c.3376A>G (p.Ile1126Val)

Gene: ANKRD26 (ankyrin repeat domain containing 26; minus strand). Cytogenetic location: 10p12.1.
Variant type: single nucleotide variant.
Coding change: c.3376A>G on transcript NM_014915.3 (MANE Select); coding-DNA position 3376, A replaced by G.
Protein change: p.Ile1126Val; replaces isoleucine 1126 with valine.
Molecular consequence: missense variant.
Genome position (GRCh38, 1-based): chr10:27,035,074, T>C on the plus strand (A>G on the coding strand, the complement: ANKRD26 is on the minus strand). VCF-style: chr10-27035074-T-C. GRCh37 (hg19) VCF-style: chr10-27324003-T-C.
Other names: c.3373A>G, p.Ile1125Val (NM_001256053.2); short protein forms I1126V, I1125V.
Identifiers: ClinVar variation 4104369 (VCV004104369.1).

ClinVar aggregate classification (germline): Uncertain significance (1 of 4 stars; one submission).

Conditions:
Inborn genetic diseases. Identifiers: MedGen C0950123, MeSH D030342.

gnomAD v4.1: 1 of 1,613,368 alleles (0.000062%); highest among the groups gnomAD compares: South Asian, 0.0011%; no homozygotes.

Submission:

Ambry Genetics
Classification: Uncertain significance for Inborn genetic diseases. Last evaluated: 2025-08-20. Review status: criteria provided, single submitter. Criteria: Ambry Variant Classification Scheme 2023. Collection method: clinical testing. Allele origin: germline.
Comment: The p.I1126V variant (also known as c.3376A>G), located in coding exon 24 of the ANKRD26 gene, results from an A to G substitution at nucleotide position 3376. The isoleucine at codon 1126 is replaced by valine, an amino acid with highly similar properties. This amino acid position is conserved. In addition, this alteration is predicted to be tolerated by in silico analysis. Based on the available evidence, the clinical significance of this variant remains unclear.